The following is an entry in ClinVar:

ClinVar aggregate classification (germline): Uncertain significance. Review status: criteria provided, multiple submitters, no conflicts (2 of 4 stars). 4 submissions from 4 submitters: Uncertain significance (4). Last evaluated 2023-09-19.

Conditions:
Developmental and epileptic encephalopathy, 62. Also called: Early infantile epileptic encephalopathy 62. Identifiers: MedGen C4693699, MONDO:0033371, OMIM 617938.

Allele frequency attached by ClinVar (database versions not stated): gnomAD exomes below 0.00001 and 0.00001; TOPMed below 0.00001; ExAC 0.00001.
gnomAD v4.1: 6 of 1,614,004 alleles (0.00037%); highest among the groups gnomAD compares: South Asian, 0.0055%; no homozygotes.

Submissions (4):

Blueprint Genetics
Classification: Uncertain significance. Last evaluated: 2023-09-19. Review status: criteria provided, single submitter. Criteria: ACMG Guidelines, 2015. Collection method: clinical testing. Allele origin: germline.

CeGaT Center for Human Genetics Tuebingen
Classification: Uncertain significance. Last evaluated: 2023-07-01. Review status: criteria provided, single submitter. Criteria: CeGaT Center For Human Genetics Tuebingen Variant Classification Criteria Version 2. Collection method: clinical testing. Allele origin: germline. Affected: yes. Observed: 1 variant allele.

Revvity Omics, Revvity
Classification: Uncertain significance. Last evaluated: 2021-08-19. Review status: criteria provided, single submitter. Criteria: ACMG Guidelines, 2015. Collection method: clinical testing. Allele origin: germline.

Dubai Health Genomic Medicine Center, Dubai Health
Classification: Uncertain significance for Developmental and epileptic encephalopathy, 62. Last evaluated: 2020-11-01. Review status: criteria provided, single submitter. Criteria: ACMG Guidelines, 2015. Collection method: clinical testing. Allele origin: germline. Affected: yes.
Comment: The p.Leu656Val missense variant in SCN3A has not been previously reported in affected individuals but was identified in 2/30612 (0.0065% 0 homozygotes) South Asian alleles in the Genome Aggregation Database (gnomAD). Computational prediction tools and conservation analyses suggest an impact to the protein function though this information is not predictive enough to confirm pathogenicity. In summary additional information is needed to fully assess the clinical significance of this variant.

NM_006922.4(SCN3A):c.1966T>G (p.Leu656Val)

Gene: SCN3A (sodium voltage-gated channel alpha subunit 3; minus strand). Cytogenetic location: 2q24.3.
Variant type: single nucleotide variant.
Coding change: c.1966T>G on transcript NM_006922.4 (MANE Select); coding-DNA position 1966, T replaced by G.
Protein change: p.Leu656Val; replaces leucine 656 with valine.
Molecular consequence: missense variant. On other transcripts: intron variant (2).
Genome position (GRCh38, 1-based): chr2:165,140,704, A>C on the plus strand (T>G on the coding strand, the complement: SCN3A is on the minus strand). VCF-style: chr2-165140704-A-C. GRCh37 (hg19) VCF-style: chr2-165997214-A-C.
Other names: c.1872+94T>G (NM_001081676.2, NM_001081677.2); short protein forms L656V.
Identifiers: ClinVar variation 1301691 (VCV001301691.30), dbSNP rs764003738, ClinGen allele CA1939058.
Genomic context (GRCh38, chr2:165,140,704, plus strand): 5'-TTATCACCTCTGGGGGAAGTTGTCCAGTAGGTGACGTTAGAGCTGAAGGTCCACCCACCA[A>C]GGAAACCACACCATTGCAATCCACAGTGCTGTGCATCTTCCCATTTGCTGGAAGCCCTGG-3'
Protein context (NP_008853.3, residues 646-666): STVDCNGVVS[Leu656Val]VGGPSALTSP